The following is an entry in ClinVar:

NM_000516.7(GNAS):c.34C>T (p.Gln12Ter)

Gene: GNAS (GNAS complex locus; plus strand). Cytogenetic location: 20q13.32.
Variant type: single nucleotide variant.
Coding change: c.34C>T on transcript NM_000516.7 (MANE Select); coding-DNA position 34, C replaced by T.
Protein change: p.Gln12Ter; replaces glutamine 12 with a stop codon.
Molecular consequence: nonsense. On other transcripts: intron variant (6).
Genome position (GRCh38, 1-based): chr20:58,891,760, C>T. VCF-style: chr20-58891760-C-T. GRCh37 (hg19) VCF-style: chr20-57466815-C-T.
Other names: c.34C>T (NM_000516.5); c.34C>T, p.Gln12Ter (NM_001077488.5, NM_001077489.4, NM_001309842.2 and 1 more transcripts); c.*43-3852C>T (NM_016592.5); c.-38-3852C>T (NM_001309861.2); c.*1-3852C>T (NM_001077490.3); c.2069-3852C>T (NM_080425.4); c.*159-3852C>T (NM_001309883.1); c.-39+2407C>T (NM_001309840.2); short protein forms Q12*.
Identifiers: ClinVar variation 209158 (VCV000209158.15), dbSNP rs797045046, ClinGen allele CA250351.

ClinVar aggregate classification (germline): Pathogenic. Review status: criteria provided, multiple submitters, no conflicts (2 of 4 stars). 10 submissions from 10 submitters: Pathogenic (10). Last evaluated 2025-01-02.

Conditions:
Pseudohypoparathyroidism type 1C (PHP1C). Also called: Pseudohypoparathyroidism Ic (PHP-Ic); PSEUDOHYPOPARATHYROIDISM, TYPE IC; PHP IC. Identifiers: Orphanet 79444, MedGen C2932716, MONDO:0012911, OMIM 612462.
ACTH-independent macronodular adrenal hyperplasia 1 (AIMAH1). Also called: CUSHING SYNDROME, ADRENAL, DUE TO AIMAH; ACTH-INDEPENDENT MACRONODULAR ADRENOCORTICAL HYPERPLASIA; ACTH-independent macronodular adrenal hyperplasia, somatic; CORTICOTROPIN-INDEPENDENT MACRONODULAR ADRENAL HYPERPLASIA; ADRENOCORTICOTROPIC HORMONE-INDEPENDENT MACRONODULAR ADRENAL HYPERPLASIA. Identifiers: MedGen C1857451, MONDO:0020735, OMIM 219080.
McCune-Albright syndrome (MAS). Also called: Albright's Syndrome; McCune-Albright syndrome, somatic, mosaic; ALBRIGHT SYNDROME; Albright's disease; Fibrous Dysplasia / McCune-Albright Syndrome. Identifiers: Orphanet 562, MedGen C0242292, MONDO:0018919, OMIM 174800.
Progressive osseous heteroplasia (POH). Also called: Progressive Osseus Heteroplasia (POH); Osseus Heteroplasia, Progressive; ECTOPIC OSSIFICATION, FAMILIAL; Osteoma cutis. Identifiers: Orphanet 2762, MedGen C0334041, MONDO:0008153, OMIM 166350, HP:0025027.
Pseudohypoparathyroidism type I A (PHP1A). Also called: Pseudohypoparathyroidism Ia (PHP-Ia); Pseudohypoparathyroidism Type IA; ALBRIGHT HEREDITARY OSTEODYSTROPHY WITH MULTIPLE HORMONE RESISTANCE; Pseudohypoparathyroidism type 1A; PHP IA. Identifiers: Orphanet 79443, MedGen C3494506, MONDO:0007078, OMIM 103580.
Pseudohypoparathyroidism type 1B (PHP1B). Also called: Pseudohypoparathyroidism Type IB; Pseudohypoparathyroidism Ib (PHP-Ib); PHP IB. Identifiers: Orphanet 94089, MedGen C1864100, MONDO:0011301, OMIM 603233.
Pseudopseudohypoparathyroidism (PPHP). Also called: Pseudopseudohypoparathyroidism (PPHP); ALBRIGHT HEREDITARY OSTEODYSTROPHY WITHOUT MULTIPLE HORMONE RESISTANCE. Identifiers: Orphanet 79445, MedGen C0033835, MONDO:0012912, OMIM 612463.
Pituitary adenoma 3, multiple types. Also called: PITUITARY ADENOMA 3, ACTH-SECRETING, SOMATIC; PITUITARY ADENOMA 3, GROWTH HORMONE-SECRETING, SOMATIC. Identifiers: MedGen C4540135, MONDO:0054665, OMIM 617686.
Albright hereditary osteodystrophy, pseudohypoparathyroidism, pseudopseudohypoparathyroidism, acrodysostosis and osteoma cutis.
Pseudohypoparathyroidism (PHP1A). Identifiers: Orphanet 79443, Orphanet 97593, MedGen C0033806, MONDO:0019992, HP:0000852.
GNAS-related disorder. Identifiers: MedGen CN380105.
Inborn genetic diseases. Identifiers: MedGen C0950123, MeSH D030342.

Submissions (10):

Cambridge Genomics Laboratory, East Genomic Laboratory Hub, NHS Genomic Medicine Service
Classification: Pathogenic for Albright hereditary osteodystrophy, pseudohypoparathyroidism, pseudopseudohypoparathyroidism, acrodysostosis and osteoma cutis. Last evaluated: 2025-01-02. Review status: criteria provided, single submitter. Criteria: ACGS Best Practice Guidelines for Variant Classification in Rare Disease 2020. Collection method: clinical testing. Allele origin: germline. Affected: yes.
Comment: PVS1,PS4_Moderate,PM2

PreventionGenetics, part of Exact Sciences
Classification: Pathogenic for GNAS-related condition. Last evaluated: 2024-12-30. Review status: criteria provided, single submitter. Criteria: ACMG Guidelines, 2015. Collection method: clinical testing. Allele origin: germline.
Comment: The GNAS c.34C>T variant is predicted to result in premature protein termination (p.Gln12*). This variant has been reported in many individuals to be pathogenic for pseudohypoparathyroidism (PHP) or progressive osseous heteroplasia (POH); it was reported to have occurred de novo in multiple patients (Richard et al. 2013. PubMed ID: 23884777; Eddy et al. 2000. PubMed ID: 11092390; Salemi P et al 2018. PubMed ID: 29059381). This variant has not been reported in a large population database (gnomAD), indicating it is rare. Nonsense variants in GNAS are expected to be pathogenic. In summary, this variant is interpreted as pathogenic GNAS-related disorders.

Victorian Clinical Genetics Services, Murdoch Childrens Research Institute
Classification: Pathogenic for Pseudohypoparathyroidism type I A. Last evaluated: 2024-09-20. Review status: criteria provided, single submitter. Criteria: ACMG Guidelines, 2015. Collection method: clinical testing. Allele origin: germline. Inheritance: Autosomal dominant inheritance. Affected: yes.
Comment: Based on the classification scheme VCGS_Germline_v1.3.4, this variant is classified as Pathogenic. Following criteria are met: 0103 - Both loss- and gain-of-function are known mechanisms of disease for this gene. Loss-of-function has been associated with the hypoparathyroidism phenotypes (PMID: 10980525), while gain-of-function has been reported for somatic variants in cancers (PMID: 11588148). (I) 0107 - This gene is associated with autosomal dominant disease. (I) 0113 - This gene is known to be imprinted and the imprinting can be transcript dependent (OMIM, PMID: 23884777). (I) 0115 - Variants in this gene are known to have variable expressivity (PMID: 29072892). (I) 0204 - Variant is predicted to result in a truncated protein (premature termination codon is located within the first 102 nucleotides of the coding sequence and is predicted to escape nonsense-mediated decay). (SP) 0251 - This variant is heterozygous. (I) 0301 - Variant is absent from gnomAD (both v2 and v3). (SP) 0701 - Other premature termination codon variants within the first 102 nucleotides comparable to the one identified in this case have very strong previous evidence for pathogenicity (DECIPHER, PMID: 17164301). (SP) 0801 - This variant has strong previous evidence of pathogenicity in unrelated individuals. This variant has been classified as pathogenic by multiple clinical laboratories in ClinVar, and has been observed in individuals with pseudohypoparathyroidism Ia and pseudopseudohypoparathyroidism (PMID: 29059381, 29379892). (SP) Legend: (SP) - Supporting pathogenic, (I) - Information, (SB) - Supporting benign

GeneDx
Classification: Pathogenic. Last evaluated: 2024-07-13. Review status: criteria provided, single submitter. Criteria: GeneDx Variant Classification Process June 2021. Collection method: clinical testing. Allele origin: germline. Affected: yes.
Comment: Nonsense variant predicted to result in protein truncation or nonsense mediated decay in a gene for which loss of function is a known mechanism of disease; Not observed at significant frequency in large population cohorts (gnomAD); This variant is associated with the following publications: (PMID: 25525159, 21525160, 11092390, 23533243, 27703483, 31886927, 33144682, 29059381)

Labcorp Genetics (formerly Invitae), Labcorp
Classification: Pathogenic. Last evaluated: 2023-05-16. Review status: criteria provided, single submitter. Criteria: Invitae Variant Classification Sherloc (09022015). Collection method: clinical testing. Allele origin: germline.
Comment: This sequence change creates a premature translational stop signal (p.Gln12*) in the GNAS gene. It is expected to result in an absent or disrupted protein product. Loss-of-function variants in GNAS are known to be pathogenic (PMID: 11784876, 23281139, 23796510, 25802881). This variant is not present in population databases (gnomAD no frequency). This premature translational stop signal has been observed in individual(s) with GNAS-related conditions (PMID: 11092390, 21525160, 23533243, 27703483, 29059381, 31886927, 33144682). ClinVar contains an entry for this variant (Variation ID: 209158). For these reasons, this variant has been classified as Pathogenic.

Johns Hopkins Genomics, Johns Hopkins University
Classification: Pathogenic for Pseudopseudohypoparathyroidism. Last evaluated: 2022-04-06. Review status: criteria provided, single submitter. Criteria: ACMG Guidelines, 2015. Collection method: clinical testing. Allele origin: germline.
Comment: This GNAS variant has been identified in multiple individuals with a clinical presentation consistent with a GNAS-related condition. It is absent from a large population dataset, and has been reported in ClinVar (Variation ID 209158). This nonsense variant results in a premature stop codon in exon 1 likely leading to nonsense-mediated decay and lack of protein production. We consider this variant to be pathogenic.

3billion
Classification: Pathogenic for Pseudopseudohypoparathyroidism. Last evaluated: 2022-03-22. Review status: criteria provided, single submitter. Criteria: ACMG Guidelines, 2015. Collection method: clinical testing. Allele origin: germline. Affected: yes. Observed: 1 heterozygote.
Comment: Stop-gained (nonsense): predicted to result in a loss or disruption of normal protein function through nonsense-mediated decay (NMD) or protein truncation. Multiple pathogenic variants are reported downstream of the variant.It is not observed in the gnomAD v2.1.1 dataset. The variant has been reported at least twice as pathogenic/likely pathogenic with clinical assertions and evidence for the classification (ClinVar ID: VCV000209158, PMID:11092390). Therefore, this variant is classified as pathogenic according to the recommendation of ACMG/AMP guideline.

Fulgent Genetics
Classification: Pathogenic for Pseudohypoparathyroidism type I A; Progressive osseous heteroplasia; McCune-Albright syndrome; ACTH-independent macronodular adrenal hyperplasia 1; Pseudohypoparathyroidism type 1B; Pseudohypoparathyroidism type 1C; Pseudopseudohypoparathyroidism; Pituitary adenoma 3, multiple types. Last evaluated: 2021-09-11. Review status: criteria provided, single submitter. Criteria: ACMG Guidelines, 2015. Collection method: clinical testing. Allele origin: unknown.

Ambry Genetics
Classification: Pathogenic for Inborn genetic diseases. Last evaluated: 2018-03-22. Review status: criteria provided, single submitter. Criteria: Ambry exome assertion method (8-5-2015). Collection method: clinical testing. Allele origin: germline. Affected: yes. Observed: 1 variant allele.

Baylor Genetics
Classification: Pathogenic for Pseudohypoparathyroidism type 1A; Pseudopseudohypoparathyroidism. Last evaluated: 2014-10-07. Review status: criteria provided, single submitter. Criteria: Yang et al. 2013. Collection method: clinical testing. Allele origin: germline. Inheritance: Autosomal dominant inheritance. Observed: 2 variant alleles, 2 heterozygotes. Study: Adult_WES.

Literature cited by the submitters: PubMed 10980525 (cited by Victorian Clinical Genetics Services, Murdoch Childrens Research Institute); PubMed 11588148 (cited by Victorian Clinical Genetics Services, Murdoch Childrens Research Institute); PubMed 17164301 (cited by Victorian Clinical Genetics Services, Murdoch Childrens Research Institute); PubMed 23884777 (cited by Victorian Clinical Genetics Services, Murdoch Childrens Research Institute); PubMed 29059381 (cited by Victorian Clinical Genetics Services, Murdoch Childrens Research Institute and Labcorp Genetics (formerly Invitae), Labcorp); PubMed 29072892 (cited by Victorian Clinical Genetics Services, Murdoch Childrens Research Institute); PubMed 29379892 (cited by Victorian Clinical Genetics Services, Murdoch Childrens Research Institute); PubMed 11784876 (cited by Labcorp Genetics (formerly Invitae), Labcorp); PubMed 23281139 (cited by Labcorp Genetics (formerly Invitae), Labcorp); PubMed 23796510 (cited by Labcorp Genetics (formerly Invitae), Labcorp); PubMed 25802881 (cited by Labcorp Genetics (formerly Invitae), Labcorp); PubMed 11092390 (cited by 5 submitters); PubMed 21525160 (cited by 4 submitters); PubMed 23533243 (cited by 4 submitters); PubMed 27703483 (cited by Labcorp Genetics (formerly Invitae), Labcorp and Ambry Genetics); PubMed 31886927 (cited by Labcorp Genetics (formerly Invitae), Labcorp); PubMed 33144682 (cited by Labcorp Genetics (formerly Invitae), Labcorp); PubMed 26633545 (cited by Baylor Genetics).